The following is an entry in ClinVar:

ClinVar aggregate classification (germline): Uncertain significance (1 of 4 stars; one submission).

Submission:

Labcorp Genetics (formerly Invitae), Labcorp
Classification: Uncertain significance. Last evaluated: 2022-07-19. Review status: criteria provided, single submitter. Criteria: Invitae Variant Classification Sherloc (09022015). Collection method: clinical testing. Allele origin: germline.
Comment: In summary, the available evidence is currently insufficient to determine the role of this variant in disease. Therefore, it has been classified as a Variant of Uncertain Significance. Advanced modeling of protein sequence and biophysical properties (such as structural, functional, and spatial information, amino acid conservation, physicochemical variation, residue mobility, and thermodynamic stability) performed at Invitae indicates that this missense variant is not expected to disrupt COL11A2 protein function. This variant has not been reported in the literature in individuals affected with COL11A2-related conditions. This variant is not present in population databases (gnomAD no frequency). This sequence change replaces aspartic acid, which is acidic and polar, with glutamic acid, which is acidic and polar, at codon 1618 of the COL11A2 protein (p.Asp1618Glu).

NM_080680.3(COL11A2):c.4854C>A (p.Asp1618Glu)

Gene: COL11A2 (collagen type XI alpha 2 chain; minus strand). Cytogenetic location: 6p21.32.
Variant type: single nucleotide variant.
Coding change: c.4854C>A on transcript NM_080680.3 (MANE Select); coding-DNA position 4854, C replaced by A.
Protein change: p.Asp1618Glu; replaces aspartic acid 1618 with glutamic acid.
Molecular consequence: missense variant.
Genome position (GRCh38, 1-based): chr6:33,164,861, G>T on the plus strand (C>A on the coding strand, the complement: COL11A2 is on the minus strand). VCF-style: chr6-33164861-G-T. GRCh37 (hg19) VCF-style: chr6-33132638-G-T.
Other names: c.4533C>A, p.Asp1511Glu (NM_080679.3); c.4596C>A, p.Asp1532Glu (NM_080681.3); short protein forms D1532E, D1618E, D1511E.
Identifiers: ClinVar variation 2067786 (VCV002067786.4), dbSNP rs151319255, ClinGen allele CA363617400.